The following is an entry in ClinVar:

NM_001130144.3(LTBP3):c.3600C>A (p.Ser1200Arg)

Gene: LTBP3 (latent transforming growth factor beta binding protein 3; minus strand). Cytogenetic location: 11q13.1.
Variant type: single nucleotide variant.
Coding change: c.3600C>A on transcript NM_001130144.3 (MANE Select); coding-DNA position 3600, C replaced by A.
Protein change: p.Ser1200Arg; replaces serine 1200 with arginine.
Molecular consequence: missense variant.
Genome position (GRCh38, 1-based): chr11:65,539,576, G>T on the plus strand (C>A on the coding strand, the complement: LTBP3 is on the minus strand). VCF-style: chr11-65539576-G-T. GRCh37 (hg19) VCF-style: chr11-65307047-G-T.
Other names: c.3108C>A, p.Ser1036Arg (NM_001164266.1); c.3459C>A, p.Ser1153Arg (NM_021070.4); short protein forms S1036R, S1153R, S1200R.
Identifiers: ClinVar variation 4797851 (VCV004797851.1).

ClinVar aggregate classification (germline): Uncertain significance (1 of 4 stars; one submission).

Conditions:
Brachyolmia-amelogenesis imperfecta syndrome. Also called: PLATYSPONDYLY WITH AMELOGENESIS IMPERFECTA; Tooth agenesis, selective, 6; Dental anomalies and short stature. Identifiers: Orphanet 2899, MedGen C1832594, MONDO:0011018, OMIM 601216. Disease mechanism: loss of function.

gnomAD v4.1: 5 of 1,612,842 alleles (0.00031%); highest among the groups gnomAD compares: Admixed American, 0.005%; no homozygotes.

Submission:

Labcorp Genetics (formerly Invitae), Labcorp
Classification: Uncertain significance for Brachyolmia-amelogenesis imperfecta syndrome. Last evaluated: 2025-12-03. Review status: criteria provided, single submitter. Criteria: Invitae Variant Classification Sherloc (09022015). Collection method: clinical testing. Allele origin: germline.
Comment: This sequence change replaces serine, which is neutral and polar, with arginine, which is basic and polar, at codon 1200 of the LTBP3 protein (p.Ser1200Arg). This variant is present in population databases (rs768814259, gnomAD 0.01%). This variant has not been reported in the literature in individuals affected with LTBP3-related conditions. An algorithm developed to predict the effect of missense changes on protein structure and function (PolyPhen-2) suggests that this variant is likely to be tolerated. In summary, the available evidence is currently insufficient to determine the role of this variant in disease. Therefore, it has been classified as a Variant of Uncertain Significance.